The following is an entry in ClinVar:

NM_004082.5(DCTN1):c.2747G>A (p.Arg916Gln)

Gene: DCTN1 (dynactin subunit 1; minus strand). Cytogenetic location: 2p13.1.
Variant type: single nucleotide variant.
Coding change: c.2747G>A on transcript NM_004082.5 (MANE Select); coding-DNA position 2747, G replaced by A.
Protein change: p.Arg916Gln; replaces arginine 916 with glutamine.
Molecular consequence: missense variant. On other transcripts: non-coding transcript variant (1).
Genome position (GRCh38, 1-based): chr2:74,366,257, C>T on the plus strand (G>A on the coding strand, the complement: DCTN1 is on the minus strand). VCF-style: chr2-74366257-C-T. GRCh37 (hg19) VCF-style: chr2-74593384-C-T.
Other names: c.2687G>A, p.Arg896Gln (NM_001135040.3); c.2345G>A, p.Arg782Gln (NM_001135041.3, NM_023019.4); c.2636G>A, p.Arg879Gln (NM_001190836.2); c.2726G>A, p.Arg909Gln (NM_001190837.2); c.2696G>A, p.Arg899Gln (NM_001378991.1); c.2678G>A, p.Arg893Gln (NM_001378992.1); short protein forms R916Q, R879Q, R782Q, R909Q, R896Q, R893Q, R899Q.
Identifiers: ClinVar variation 571353 (VCV000571353.13), dbSNP rs375079576, ClinGen allele CA1721750.

ClinVar aggregate classification (germline): Conflicting classifications of pathogenicity. Review status: criteria provided, conflicting classifications (1 of 4 stars). 2 submissions from 2 submitters: Uncertain significance (1); Likely benign (1). Last evaluated 2022-09-06.

Conditions:
Amyotrophic lateral sclerosis type 1 (ALS1). Also called: AMYOTROPHIC LATERAL SCLEROSIS 1, FAMILIAL. Identifiers: Orphanet 803, MedGen C1862939, MONDO:0007103, OMIM 105400.
Perry syndrome. Also called: PARKINSONISM WITH ALVEOLAR HYPOVENTILATION AND MENTAL DEPRESSION. Identifiers: Orphanet 178509, MedGen C1868594, MONDO:0008201, OMIM 168605.
Neuronopathy, distal hereditary motor, type 7B. Also called: Distal Hereditary Motor Neuronopathy Type 7B (dHMN7B); NEURONOPATHY, DISTAL HEREDITARY MOTOR, AUTOSOMAL DOMINANT 14; NEURONOPATHY, DISTAL HEREDITARY MOTOR, HARDING TYPE VIIB; NEUROPATHY, DISTAL HEREDITARY MOTOR, HARDING TYPE VIIB; NEUROPATHY, DISTAL HEREDITARY MOTOR, WITH VOCAL CORD PARALYSIS, HARDING TYPE VIIB; HMN VIIB. Identifiers: Orphanet 139589, MedGen C1843315, MONDO:0011879, OMIM 607641.
Inborn genetic diseases. Identifiers: MedGen C0950123, MeSH D030342.

Allele frequency attached by ClinVar (database versions not stated): ExAC 0.00003; gnomAD 0.00004; TOPMed 0.00004; ESP Exome Variant Server 0.00015.
gnomAD v4.1: 24 of 1,614,020 alleles (0.0015%); highest among the groups gnomAD compares: African/African-American, 0.019%; no homozygotes.

Submissions (2):

Labcorp Genetics (formerly Invitae), Labcorp
Classification: Uncertain significance for Amyotrophic lateral sclerosis type 1; Neuronopathy, distal hereditary motor, type 7B; Perry syndrome. Last evaluated: 2022-09-06. Review status: criteria provided, single submitter. Criteria: Invitae Variant Classification Sherloc (09022015). Collection method: clinical testing. Allele origin: germline.
Comment: ClinVar contains an entry for this variant (Variation ID: 571353). Algorithms developed to predict the effect of missense changes on protein structure and function are either unavailable or do not agree on the potential impact of this missense change (SIFT: "Deleterious"; PolyPhen-2: "Benign"; Align-GVGD: "Class C35"). In summary, the available evidence is currently insufficient to determine the role of this variant in disease. Therefore, it has been classified as a Variant of Uncertain Significance. This variant has not been reported in the literature in individuals affected with DCTN1-related conditions. This sequence change replaces arginine, which is basic and polar, with glutamine, which is neutral and polar, at codon 916 of the DCTN1 protein (p.Arg916Gln). This variant is present in population databases (rs375079576, gnomAD 0.02%).

Ambry Genetics
Classification: Likely benign for Inborn genetic diseases. Last evaluated: 2021-06-12. Review status: criteria provided, single submitter. Criteria: Ambry Variant Classification Scheme 2023. Collection method: clinical testing. Allele origin: germline.